The following is an entry in ClinVar:

NM_000179.3(MSH6):c.497A>G (p.Tyr166Cys)

Gene: MSH6 (mutS homolog 6; plus strand). Cytogenetic location: 2p16.3.
Variant type: single nucleotide variant.
Coding change: c.497A>G on transcript NM_000179.3 (MANE Select); coding-DNA position 497, A replaced by G.
Protein change: p.Tyr166Cys; replaces tyrosine 166 with cysteine.
Molecular consequence: missense variant. On other transcripts: 5 prime UTR variant (1), intron variant (2).
Genome position (GRCh38, 1-based): chr2:47,795,933, A>G. VCF-style: chr2-47795933-A-G. GRCh37 (hg19) VCF-style: chr2-48023072-A-G.
Other names: c.-406A>G (NM_001281494.2); c.-279-2678A>G (NM_001281493.2); c.238-2678A>G (NM_001281492.2); short protein forms Y166C.
Identifiers: ClinVar variation 957381 (VCV000957381.10), dbSNP rs1669056194, ClinGen allele CA346738638.

ClinVar aggregate classification (germline): Uncertain significance (1 of 4 stars; one submission).

Conditions:
Hereditary nonpolyposis colorectal neoplasms. Identifiers: MedGen C0009405, MeSH D003123.

Submission:

Labcorp Genetics (formerly Invitae), Labcorp
Classification: Uncertain significance for Hereditary nonpolyposis colorectal neoplasms. Last evaluated: 2019-09-23. Review status: criteria provided, single submitter. Criteria: Invitae Variant Classification Sherloc (09022015). Collection method: clinical testing. Allele origin: germline.
Comment: In summary, the available evidence is currently insufficient to determine the role of this variant in disease. Therefore, it has been classified as a Variant of Uncertain Significance. Algorithms developed to predict the effect of missense changes on protein structure and function (SIFT, PolyPhen-2, Align-GVGD) all suggest that this variant is likely to be tolerated, but these predictions have not been confirmed by published functional studies and their clinical significance is uncertain. This variant has not been reported in the literature in individuals with MSH6-related conditions. This variant is not present in population databases (ExAC no frequency). This sequence change replaces tyrosine with cysteine at codon 166 of the MSH6 protein (p.Tyr166Cys). The tyrosine residue is weakly conserved and there is a large physicochemical difference between tyrosine and cysteine.